The following is an entry in ClinVar:

ClinVar aggregate classification (germline): Likely benign. Review status: criteria provided, multiple submitters, no conflicts (2 of 4 stars). 2 submissions from 2 submitters: Likely benign (2). Last evaluated 2026-01-26.

Conditions:
Spastic paraplegia. Identifiers: MedGen C0037772, HP:0001258.

Allele frequency attached by ClinVar (database versions not stated): gnomAD 0.00001; gnomAD exomes 0.00003 and 0.00004; ExAC 0.00004.
gnomAD v4.1: 48 of 1,613,874 alleles (0.003%); highest among the groups gnomAD compares: South Asian, 0.052%; 1 homozygote.

Submissions (2):

Labcorp Genetics (formerly Invitae), Labcorp
Classification: Likely benign for Spastic paraplegia. Last evaluated: 2026-01-26. Review status: criteria provided, single submitter. Criteria: Invitae Variant Classification Sherloc (09022015). Collection method: clinical testing. Allele origin: germline.

Mayo Clinic Laboratories, Mayo Clinic
Classification: Likely benign. Last evaluated: 2025-05-24. Review status: criteria provided, single submitter. Criteria: ACMG Guidelines, 2015. Collection method: clinical testing. Allele origin: germline. Observed: 1 variant allele.
Comment: BP4, BP7

NM_014363.6(SACS):c.10119A>G (p.Thr3373=)

Gene: SACS (sacsin molecular chaperone; minus strand). Cytogenetic location: 13q12.12.
Variant type: single nucleotide variant.
Coding change: c.10119A>G on transcript NM_014363.6 (MANE Select); coding-DNA position 10119, A replaced by G.
Protein change: p.Thr3373=; no amino-acid change (threonine 3373 retained).
Molecular consequence: synonymous variant.
Genome position (GRCh38, 1-based): chr13:23,333,757, T>C on the plus strand (A>G on the coding strand, the complement: SACS is on the minus strand). VCF-style: chr13-23333757-T-C. GRCh37 (hg19) VCF-style: chr13-23907896-T-C.
Other names: p.Thr3373=; c.9678A>G, p.Thr3226= (NM_001278055.2).
Identifiers: ClinVar variation 719763 (VCV000719763.11), dbSNP rs202084381, ClinGen allele CA6910501.